The following is an entry in ClinVar:

ClinVar aggregate classification (germline): Uncertain significance. Review status: criteria provided, multiple submitters, no conflicts (2 of 4 stars). 4 submissions from 4 submitters: Uncertain significance (4). Last evaluated 2026-04-02.

Conditions:
SCLT1-related disorder. Also called: SCLT1-related condition.

Allele frequency attached by ClinVar (database versions not stated): gnomAD 0.00001 and 0.00002; gnomAD exomes 0.00002; ExAC 0.00003; TOPMed 0.00003; 1000 Genomes Project 0.00020; 1000 Genomes Project 30x 0.00047.
gnomAD v4.1: 26 of 1,613,322 alleles (0.0016%); highest among the groups gnomAD compares: African/African-American, 0.004%; no homozygotes.

Submissions (4):

PreventionGenetics, part of Exact Sciences
Classification: Uncertain significance for SCLT1-related condition. Last evaluated: 2026-04-02. Review status: criteria provided, single submitter. Criteria: ACMG Guidelines, 2015. Collection method: clinical testing. Allele origin: germline.
Comment: The SCLT1 c.1961G>A variant is predicted to result in the amino acid substitution p.Arg654His. To our knowledge, this variant has not been reported in the literature. This variant is reported in 0.0098% of alleles in individuals of South Asian descent in gnomAD. At this time, the clinical significance of this variant is uncertain due to the absence of conclusive functional and genetic evidence.

Ambry Genetics
Classification: Uncertain significance. Last evaluated: 2025-03-08. Review status: criteria provided, single submitter. Criteria: Ambry Variant Classification Scheme 2023. Collection method: clinical testing. Allele origin: germline.

Blueprint Genetics
Classification: Uncertain significance. Last evaluated: 2023-11-10. Review status: criteria provided, single submitter. Criteria: ACMG Guidelines, 2015. Collection method: clinical testing. Allele origin: germline.

Labcorp Genetics (formerly Invitae), Labcorp
Classification: Uncertain significance. Last evaluated: 2022-08-16. Review status: criteria provided, single submitter. Criteria: Invitae Variant Classification Sherloc (09022015). Collection method: clinical testing. Allele origin: germline.
Comment: This sequence change replaces arginine, which is basic and polar, with histidine, which is basic and polar, at codon 654 of the SCLT1 protein (p.Arg654His). This variant is present in population databases (rs532919376, gnomAD 0.01%). This variant has not been reported in the literature in individuals affected with SCLT1-related conditions. ClinVar contains an entry for this variant (Variation ID: 1466506). Algorithms developed to predict the effect of missense changes on protein structure and function are either unavailable or do not agree on the potential impact of this missense change (SIFT: "Deleterious"; PolyPhen-2: "Probably Damaging"; Align-GVGD: "Class C0"). In summary, the available evidence is currently insufficient to determine the role of this variant in disease. Therefore, it has been classified as a Variant of Uncertain Significance.

NM_144643.4(SCLT1):c.1961G>A (p.Arg654His)

Gene: SCLT1 (sodium channel and clathrin linker 1; minus strand). Cytogenetic location: 4q28.2.
Variant type: single nucleotide variant.
Coding change: c.1961G>A on transcript NM_144643.4 (MANE Select); coding-DNA position 1961, G replaced by A.
Protein change: p.Arg654His; replaces arginine 654 with histidine.
Molecular consequence: missense variant.
Genome position (GRCh38, 1-based): chr4:128,888,722, C>T on the plus strand (G>A on the coding strand, the complement: SCLT1 is on the minus strand). VCF-style: chr4-128888722-C-T. GRCh37 (hg19) VCF-style: chr4-129809877-C-T.
Other names: c.1961G>A (NM_144643.2, NM_144643.3); short protein forms R654H.
Identifiers: ClinVar variation 1466506 (VCV001466506.8), dbSNP rs532919376, ClinGen allele CA3079460.